The following is an entry in ClinVar:

NM_004044.7(ATIC):c.379+1G>A

Gene: ATIC (5-aminoimidazole-4-carboxamide ribonucleotide formyltransferase/IMP cyclohydrolase; plus strand). Cytogenetic location: 2q35.
Variant type: single nucleotide variant.
Coding change: c.379+1G>A on transcript NM_004044.7 (MANE Select); the canonical splice donor site of the intron after coding-DNA position 379, G replaced by A.
Molecular consequence: splice donor variant.
Genome position (GRCh38, 1-based): chr2:215,325,330, G>A. VCF-style: chr2-215325330-G-A. GRCh37 (hg19) VCF-style: chr2-216190053-G-A.
Identifiers: ClinVar variation 1446036 (VCV001446036.6), dbSNP rs150994921, ClinGen allele CA2092928.

ClinVar aggregate classification (germline): Likely pathogenic (1 of 4 stars; one submission).

Allele frequency attached by ClinVar (database versions not stated): ExAC 0.00002; TOPMed 0.00003; gnomAD exomes 0.00004; ESP Exome Variant Server 0.00015; 1000 Genomes Project 30x 0.00016; 1000 Genomes Project 0.00020.
gnomAD v4.1: 77 of 1,611,102 alleles (0.0048%); highest among the groups gnomAD compares: Non-Finnish European, 0.0062%; no homozygotes.

Submission:

Labcorp Genetics (formerly Invitae), Labcorp
Classification: Likely pathogenic. Last evaluated: 2024-10-22. Review status: criteria provided, single submitter. Criteria: Invitae Variant Classification Sherloc (09022015). Collection method: clinical testing. Allele origin: germline.
Comment: This sequence change affects a donor splice site in intron 5 of the ATIC gene. It is expected to disrupt RNA splicing. Variants that disrupt the donor or acceptor splice site typically lead to a loss of protein function (PMID: 16199547), and loss-of-function variants in ATIC are known to be pathogenic (PMID: 32557644, 35637059, 36367252). This variant is present in population databases (rs150994921, gnomAD 0.006%). This variant has not been reported in the literature in individuals affected with ATIC-related conditions. ClinVar contains an entry for this variant (Variation ID: 1446036). Algorithms developed to predict the effect of sequence changes on RNA splicing suggest that this variant may disrupt the consensus splice site. In summary, the currently available evidence indicates that the variant is pathogenic, but additional data are needed to prove that conclusively. Therefore, this variant has been classified as Likely Pathogenic.

Literature cited by the submitters: PubMed 16199547; PubMed 32557644; PubMed 35637059; PubMed 36367252.